The following is an entry in ClinVar:

ClinVar aggregate classification (germline): Uncertain significance (1 of 4 stars; one submission).

Conditions:
Neuronopathy, distal hereditary motor, type 7A. Also called: SPINAL MUSCULAR ATROPHY, DISTAL, WITH VOCAL CORD PARALYSIS; Neuronopathy, distal hereditary motor, type viia; NEURONOPATHY, DISTAL HEREDITARY MOTOR, HARDING TYPE VIIA; HARPER-YOUNG MYOPATHY; HMN VIIA; NEUROPATHY, DISTAL HEREDITARY MOTOR, HARDING TYPE VIIA. Identifiers: Orphanet 139589, MedGen C1834703, MONDO:0008024, OMIM 158580.
Congenital myasthenic syndrome 20. Also called: Myasthenic syndrome, congenital, 20, presynaptic. Identifiers: MedGen C4310694, MONDO:0014939, OMIM 617143.

Allele frequency attached by ClinVar (database versions not stated): TOPMed below 0.00001; gnomAD exomes 0.00004.
gnomAD v4.1: 61 of 1,614,084 alleles (0.0038%); highest among the groups gnomAD compares: Non-Finnish European, 0.0051%; no homozygotes.

Submission:

Labcorp Genetics (formerly Invitae), Labcorp
Classification: Uncertain significance for Neuronopathy, distal hereditary motor, type 7A; Congenital myasthenic syndrome 20. Last evaluated: 2024-08-04. Review status: criteria provided, single submitter. Criteria: Invitae Variant Classification Sherloc (09022015). Collection method: clinical testing. Allele origin: germline.
Comment: This sequence change replaces valine, which is neutral and non-polar, with methionine, which is neutral and non-polar, at codon 13 of the SLC5A7 protein (p.Val13Met). This variant is not present in population databases (gnomAD no frequency). This variant has not been reported in the literature in individuals affected with SLC5A7-related conditions. ClinVar contains an entry for this variant (Variation ID: 1469517). Advanced modeling of protein sequence and biophysical properties (such as structural, functional, and spatial information, amino acid conservation, physicochemical variation, residue mobility, and thermodynamic stability) performed at Invitae indicates that this missense variant is not expected to disrupt SLC5A7 protein function with a negative predictive value of 80%. In summary, the available evidence is currently insufficient to determine the role of this variant in disease. Therefore, it has been classified as a Variant of Uncertain Significance.

NM_021815.5(SLC5A7):c.37G>A (p.Val13Met)

Gene: SLC5A7 (solute carrier family 5 member 7; plus strand). Cytogenetic location: 2q12.3.
Variant type: single nucleotide variant.
Coding change: c.37G>A on transcript NM_021815.5 (MANE Select); coding-DNA position 37, G replaced by A.
Protein change: p.Val13Met; replaces valine 13 with methionine.
Molecular consequence: missense variant. On other transcripts: 5 prime UTR variant (1), intron variant (1).
Genome position (GRCh38, 1-based): chr2:107,988,192, G>A. VCF-style: chr2-107988192-G-A. GRCh37 (hg19) VCF-style: chr2-108604648-G-A.
Other names: c.37G>A, p.Val13Met (NM_001305005.3); c.-668G>A (NM_001305007.3); c.-138+1429G>A (NM_001305006.3); short protein forms V13M.
Identifiers: ClinVar variation 1469517 (VCV001469517.8), dbSNP rs1677319788, ClinGen allele CA348019491.